The following is an entry in ClinVar:

NM_000268.4(NF2):c.230T>C (p.Met77Thr)

Gene: NF2 (NF2, moesin-ezrin-radixin like (MERLIN) tumor suppressor; plus strand). Cytogenetic location: 22q12.2.
Variant type: single nucleotide variant.
Coding change: c.230T>C on transcript NM_000268.4 (MANE Select); coding-DNA position 230, T replaced by C.
Protein change: p.Met77Thr; replaces methionine 77 with threonine.
Molecular consequence: missense variant. On other transcripts: 5 prime UTR variant (2), intron variant (6).
Genome position (GRCh38, 1-based): chr22:29,636,866, T>C. VCF-style: chr22-29636866-T-C. GRCh37 (hg19) VCF-style: chr22-30032855-T-C.
Other names: c.116T>C, p.Met39Thr (NM_001407053.1, NM_001407056.1); c.230T>C, p.Met77Thr (NM_001407054.1, NM_001407057.1, NM_001407058.1 and 9 more transcripts); c.-411T>C (NM_001407065.1); c.-27T>C (NM_001407067.1); c.115-2224T>C (NM_181828.3, NM_001407055.1); c.115-5336T>C (NM_001407063.1, NM_181830.3, NM_001407064.1 and 1 more transcripts); short protein forms M39T, M77T.
Identifiers: ClinVar variation 2453817 (VCV002453817.3), dbSNP rs2518415675, ClinGen allele CA411152669.

ClinVar aggregate classification (germline): Uncertain significance. Review status: criteria provided, multiple submitters, no conflicts (2 of 4 stars). 2 submissions from 2 submitters: Uncertain significance (2). Last evaluated 2025-07-23.

Conditions:
Neurofibromatosis, type 2 (SWNV). Also called: BILATERAL ACOUSTIC NEUROFIBROMATOSIS; SCHWANNOMATOSIS, VESTIBULAR; NF2-Related Schwannomatosis. Identifiers: Orphanet 637, MedGen C0027832, MONDO:0007039, OMIM 101000. Disease mechanism: loss of function.
Hereditary cancer-predisposing syndrome. Also called: Hereditary neoplastic syndrome; Hereditary Cancer Syndrome; Tumor predisposition; Neoplastic Syndromes, Hereditary. Identifiers: Orphanet 140162, MedGen C0027672, MeSH D009386, MONDO:0015356.

Submissions (2):

Labcorp Genetics (formerly Invitae), Labcorp
Classification: Uncertain significance for Neurofibromatosis, type 2. Last evaluated: 2025-07-23. Review status: criteria provided, single submitter. Criteria: Invitae Variant Classification Sherloc (09022015). Collection method: clinical testing. Allele origin: germline.
Comment: This sequence change replaces methionine, which is neutral and non-polar, with threonine, which is neutral and polar, at codon 77 of the NF2 protein (p.Met77Thr). This variant is not present in population databases (gnomAD no frequency). This variant has not been reported in the literature in individuals affected with NF2-related conditions. ClinVar contains an entry for this variant (Variation ID: 2453817). Invitae Evidence Modeling of protein sequence and biophysical properties (such as structural, functional, and spatial information, amino acid conservation, physicochemical variation, residue mobility, and thermodynamic stability) indicates that this missense variant is not expected to disrupt NF2 protein function with a negative predictive value of 80%. In summary, the available evidence is currently insufficient to determine the role of this variant in disease. Therefore, it has been classified as a Variant of Uncertain Significance.

Ambry Genetics
Classification: Uncertain significance for Hereditary cancer-predisposing syndrome. Last evaluated: 2022-11-15. Review status: criteria provided, single submitter. Criteria: Ambry Variant Classification Scheme 2023. Collection method: clinical testing. Allele origin: germline.
Comment: The p.M77T variant (also known as c.230T>C), located in coding exon 2 of the NF2 gene, results from a T to C substitution at nucleotide position 230. The methionine at codon 77 is replaced by threonine, an amino acid with similar properties. This amino acid position is conserved. In addition, the in silico prediction for this alteration is inconclusive. Since supporting evidence is limited at this time, the clinical significance of this alteration remains unclear.